The following is an entry in ClinVar:

NM_015046.7(SETX):c.1889C>T (p.Thr630Met)

Gene: SETX (senataxin; minus strand). Cytogenetic location: 9q34.13.
Variant type: single nucleotide variant.
Coding change: c.1889C>T on transcript NM_015046.7 (MANE Select); coding-DNA position 1889, C replaced by T.
Protein change: p.Thr630Met; replaces threonine 630 with methionine.
Molecular consequence: missense variant.
Genome position (GRCh38, 1-based): chr9:132,329,709, G>A on the plus strand (C>T on the coding strand, the complement: SETX is on the minus strand). VCF-style: chr9-132329709-G-A. GRCh37 (hg19) VCF-style: chr9-135205096-G-A.
Other names: c.1889C>T, p.Thr630Met (NM_001351527.2, NM_001351528.2); short protein forms T630M.
Identifiers: ClinVar variation 959082 (VCV000959082.12), dbSNP rs749132753, ClinGen allele CA5297701.
Genomic context (GRCh38, chr9:132,329,709, plus strand): 5'-ATTGGTTCTTTAGAAAATGTTGGGCTGGAAGCTTCCAAACAATGCATATCTTTTCTAGAC[G>A]TCTTCCCCATTTGTTCACTTTCTTCTTTATTATAAGATGCAGGAGAGATTTTACATGCAG-3'
Protein context (NP_055861.3, residues 620-640): NKEESEQMGK[Thr630Met]SRKDMHCLEA

ClinVar aggregate classification (germline): Conflicting classifications of pathogenicity. Review status: criteria provided, conflicting classifications (1 of 4 stars). 2 submissions from 2 submitters: Uncertain significance (1); Benign (1). Last evaluated 2025-01-22.

Conditions:
Inborn genetic diseases. Identifiers: MedGen C0950123, MeSH D030342.
Amyotrophic lateral sclerosis type 4 (ALS4). Also called: AMYOTROPHIC LATERAL SCLEROSIS 4, JUVENILE; NEURONOPATHY, DISTAL HEREDITARY MOTOR, WITH PYRAMIDAL FEATURES. Identifiers: Orphanet 357043, MedGen C1865409, MONDO:0011223, OMIM 602433.
Spinocerebellar ataxia, autosomal recessive, with axonal neuropathy 2 (SCAN2). Also called: Ataxia-ocular apraxia-2; ATAXIA-OCULOMOTOR APRAXIA 2; Ataxia with Oculomotor Apraxia Type 2; Ataxia with Oculomotor Apraxia. Identifiers: Orphanet 64753, MedGen C1853761, MONDO:0018996, OMIM 606002.

Allele frequency attached by ClinVar (database versions not stated): gnomAD 0.00001 and 0.00002; gnomAD exomes 0.00002 and 0.00006; TOPMed 0.00003; ExAC 0.00005.
gnomAD v4.1: 31 of 1,614,060 alleles (0.0019%); highest among the groups gnomAD compares: South Asian, 0.018%; no homozygotes.

Submissions (2):

Labcorp Genetics (formerly Invitae), Labcorp
Classification: Benign for Amyotrophic lateral sclerosis type 4; Spinocerebellar ataxia, autosomal recessive, with axonal neuropathy 2. Last evaluated: 2025-01-22. Review status: criteria provided, single submitter. Criteria: Invitae Variant Classification Sherloc (09022015). Collection method: clinical testing. Allele origin: germline.

Ambry Genetics
Classification: Uncertain significance for Inborn genetic diseases. Last evaluated: 2019-11-19. Review status: criteria provided, single submitter. Criteria: Ambry Variant Classification Scheme 2023. Collection method: clinical testing. Allele origin: germline.
Comment: The p.T630M variant (also known as c.1889C>T), located in coding exon 8 of the SETX gene, results from a C to T substitution at nucleotide position 1889. The threonine at codon 630 is replaced by methionine, an amino acid with similar properties. This amino acid position is poorly conserved in available vertebrate species. In addition, this alteration is predicted to be tolerated by in silico analysis. Based on the supporting evidence, this variant is unlikely to be causative of juvenile amyotrophic lateral sclerosis 4 (AD); however, its contribution to the development of spinocerebellar ataxia with axonal neuropathy 2 (AR) is uncertain.